The following is an entry in ClinVar:

NM_006941.4(SOX10):c.452G>A (p.Arg151His)

Genes: POLR2F (RNA polymerase II, I and III subunit F; plus strand), SOX10 (SRY-box transcription factor 10; minus strand). Cytogenetic location: 22q13.1.
Variant type: single nucleotide variant.
Coding change: c.452G>A on transcript NM_006941.4 (MANE Select); coding-DNA position 452, G replaced by A.
Protein change: p.Arg151His; replaces arginine 151 with histidine.
Molecular consequence: missense variant. On other transcripts: intron variant (3).
Genome position (GRCh38, 1-based): chr22:37,978,112, C>T on the plus strand (G>A on the coding strand, the complement: SOX10 is on the minus strand). VCF-style: chr22-37978112-C-T. GRCh37 (hg19) VCF-style: chr22-38374119-C-T.
Other names: c.*38+5802C>T (NM_001363825.1); c.294-8042C>T (NM_001301130.2); c.293+10942C>T (NM_001301131.2); short protein forms R151H.
Identifiers: ClinVar variation 2791751 (VCV002791751.3), dbSNP rs1373797370, ClinGen allele CA411498116.
Genomic context (GRCh38, chr22:37,978,112, plus strand): 5'-TAGTCCGGGTGGTCTTTCTTGTGCTGCATACGGAGCCGCTCAGCCTCCTCGATGAAGGGG[C>T]GCTTGTCACTTTCGTTCAGCAGCCTGGGGTGTGGTGGGAGGCGGAGAGGACAGCAGAGGG-3'
Protein context (NP_008872.1, residues 141-161): LWRLLNESDK[Arg151His]PFIEEAERLR

ClinVar aggregate classification (germline): Uncertain significance (1 of 4 stars; one submission).

Allele frequency attached by ClinVar (database versions not stated): gnomAD exomes below 0.00001.
gnomAD v4.1: 5 of 1,580,646 alleles (0.00032%); highest among the groups gnomAD compares: Admixed American, 0.0017%; no homozygotes.

Submission:

Labcorp Genetics (formerly Invitae), Labcorp
Classification: Uncertain significance. Last evaluated: 2023-04-17. Review status: criteria provided, single submitter. Criteria: Invitae Variant Classification Sherloc (09022015). Collection method: clinical testing. Allele origin: germline.
Comment: Advanced modeling of protein sequence and biophysical properties (such as structural, functional, and spatial information, amino acid conservation, physicochemical variation, residue mobility, and thermodynamic stability) performed at Invitae indicates that this missense variant is expected to disrupt SOX10 protein function. In summary, the available evidence is currently insufficient to determine the role of this variant in disease. Therefore, it has been classified as a Variant of Uncertain Significance. This variant has not been reported in the literature in individuals affected with SOX10-related conditions. This sequence change replaces arginine, which is basic and polar, with histidine, which is basic and polar, at codon 151 of the SOX10 protein (p.Arg151His). The frequency data for this variant in the population databases is considered unreliable, as metrics indicate poor data quality at this position in the gnomAD database.